The following is an entry in ClinVar:

NM_002890.3(RASA1):c.669G>C (p.Gln223His)

Genes: CCNH (cyclin H; minus strand), RASA1 (RAS p21 protein activator 1; plus strand). Cytogenetic location: 5q14.3.
Variant type: single nucleotide variant.
Coding change: c.669G>C on transcript NM_002890.3 (MANE Select); coding-DNA position 669, G replaced by C.
Protein change: p.Gln223His; replaces glutamine 223 with histidine.
Molecular consequence: missense variant. On other transcripts: intron variant (1).
Genome position (GRCh38, 1-based): chr5:87,331,477, G>C. VCF-style: chr5-87331477-G-C. GRCh37 (hg19) VCF-style: chr5-86627294-G-C.
Other names: c.138G>C, p.Gln46His (NM_022650.3); c.934-18682C>G (NM_001364075.2); short protein forms Q223H, Q46H.
Identifiers: ClinVar variation 561692 (VCV000561692.5), dbSNP rs1252085868, ClinGen allele CA360376393.

ClinVar aggregate classification (germline): Uncertain significance. Review status: criteria provided, multiple submitters, no conflicts (2 of 4 stars). 2 submissions from 2 submitters: Uncertain significance (2). Last evaluated 2025-02-23.

Conditions:
Capillary malformation-arteriovenous malformation syndrome. Also called: Capillary malformation-arteriovenous malformation. Identifiers: Orphanet 137667, MedGen C1842180, MONDO:0012016.

Allele frequency attached by ClinVar (database versions not stated): TOPMed 0.00001.

Submissions (2):

Labcorp Genetics (formerly Invitae), Labcorp
Classification: Uncertain significance for Capillary malformation-arteriovenous malformation syndrome. Last evaluated: 2025-02-23. Review status: criteria provided, single submitter. Criteria: Invitae Variant Classification Sherloc (09022015). Collection method: clinical testing. Allele origin: germline.
Comment: This sequence change replaces glutamine, which is neutral and polar, with histidine, which is basic and polar, at codon 223 of the RASA1 protein (p.Gln223His). This variant is not present in population databases (gnomAD no frequency). This variant has not been reported in the literature in individuals affected with RASA1-related conditions. ClinVar contains an entry for this variant (Variation ID: 561692). An algorithm developed to predict the effect of missense changes on protein structure and function (PolyPhen-2) suggests that this variant is likely to be tolerated. In summary, the available evidence is currently insufficient to determine the role of this variant in disease. Therefore, it has been classified as a Variant of Uncertain Significance.

GeneDx
Classification: Uncertain significance. Last evaluated: 2017-11-07. Review status: criteria provided, single submitter. Criteria: GeneDx Variant Classification (06012015). Collection method: clinical testing. Allele origin: germline. Affected: yes.
Comment: The Q223H variant in the RASA1 gene has been reported previously in an individual with neurofibromatosis, however this individual also had an NF1 nonsense variant (Maruoka et al., 2014). The Q223H variant is not observed in large population cohorts (Lek et al., 2016). The Q223H variant is a semi-conservative amino acid substitution, which may impact secondary protein structure as these residues differ in some properties. This substitution occurs at a position that is not conserved. In silico analysis is inconsistent in its predictions as to whether or not the variant is damaging to the protein structure/function.We interpret Q223H as a variant of uncertain significance.